The following is an entry in ClinVar:

NM_001042750.2(STAG2):c.301G>T (p.Asp101Tyr)

Gene: STAG2 (STAG2 cohesin complex component; plus strand). Cytogenetic location: Xq25.
Variant type: single nucleotide variant.
Coding change: c.301G>T on transcript NM_001042750.2 (MANE Select); coding-DNA position 301, G replaced by T.
Protein change: p.Asp101Tyr; replaces aspartic acid 101 with tyrosine.
Molecular consequence: missense variant.
Genome position (GRCh38, 1-based): chrX:124,037,539, G>T. VCF-style: chrX-124037539-G-T. GRCh37 (hg19) VCF-style: chrX-123171389-G-T.
Other names: c.301G>T, p.Asp101Tyr (NM_001042749.2, NM_001042751.2, NM_001282418.2 and 23 more transcripts); short protein forms D101Y.
Identifiers: ClinVar variation 4975931 (VCV004975931.1).

ClinVar aggregate classification (germline): Uncertain significance (1 of 4 stars; one submission).

Submission:

GeneDx
Classification: Uncertain significance. Last evaluated: 2026-02-01. Review status: criteria provided, single submitter. Criteria: GeneDx Variant Classification Process June 2021. Collection method: clinical testing. Allele origin: germline.
Comment: Not observed at significant frequency in large population cohorts (gnomAD); In silico analysis supports that this missense variant has a deleterious effect on protein structure/function; Has not been previously published as pathogenic or benign to our knowledge